The following is an entry in ClinVar:

ClinVar aggregate classification (germline): Uncertain significance. Review status: criteria provided, multiple submitters, no conflicts (2 of 4 stars). 4 submissions from 4 submitters: Uncertain significance (4). Last evaluated 2026-09-02.

Conditions:
Epidermolysis bullosa simplex 5C, with pyloric atresia (EBS5C). Also called: PLEC-Related Epidermolysis Bullosa with Pyloric Atresia; Epidermolysis bullosa simplex with pyloric atresia; PLEC1-Related Epidermolysis Bullosa with Pyloric Atresia. Identifiers: Orphanet 158684, MedGen C2677349, MONDO:0012807, OMIM 612138.
Autosomal recessive limb-girdle muscular dystrophy type 2Q (LGMDR17). Also called: MUSCULAR DYSTROPHY, LIMB-GIRDLE, AUTOSOMAL RECESSIVE 17. Identifiers: Orphanet 254361, MedGen C3150989, MONDO:0013390, OMIM 613723.
Epidermolysis bullosa simplex, Ogna type (EBS5A). Also called: Pidermolysis bullosa simplex 5A, Ogna type; EPIDERMOLYSIS BULLOSA SIMPLEX 5A, OGNA TYPE. Identifiers: Orphanet 79401, MedGen C0432317, MONDO:0007555, OMIM 131950.
Epidermolysis bullosa simplex with nail dystrophy (EBS5D). Identifiers: MedGen C4225309, MONDO:0014661, OMIM 616487.
Epidermolysis bullosa simplex 5B, with muscular dystrophy (EBS5B). Also called: EPIDERMOLYSIS BULLOSA SIMPLEX AND LIMB-GIRDLE MUSCULAR DYSTROPHY; Epidermolysis bullosa simplex with muscular dystrophy. Identifiers: Orphanet 257, MedGen C2931072, MONDO:0009181, OMIM 226670.
PLEC-related disorder. Also called: PLEC-related condition; PLEC-related disorders.
Inborn genetic diseases. Identifiers: MedGen C0950123, MeSH D030342.

Allele frequency attached by ClinVar (database versions not stated): gnomAD exomes 0.00002; ExAC 0.00004; gnomAD 0.00004 and 0.00005; TOPMed 0.00005; 1000 Genomes Project 0.00020; 1000 Genomes Project 30x 0.00031.
gnomAD v4.1: 34 of 1,585,168 alleles (0.0021%); highest among the groups gnomAD compares: Admixed American, 0.014%; no homozygotes.

Submissions (4):

Ambry Genetics
Classification: Uncertain significance for Inborn genetic diseases. Last evaluated: 2026-09-02. Review status: criteria provided, single submitter. Criteria: Ambry Variant Classification Scheme 2023. Collection method: clinical testing. Allele origin: germline.
Comment: The c.7187A>C (p.E2396A) alteration is located in exon 32 (coding exon 31) of the PLEC gene. This alteration results from a A to C substitution at nucleotide position 7187, causing the glutamic acid (E) at amino acid position 2396 to be replaced by an alanine (A). Based on data from gnomAD, the C allele has an overall frequency of 0.002% (4/226862) total alleles studied. The highest observed frequency was 0.01% (3/31354) of Latino alleles. Based on insufficient or conflicting evidence, the clinical significance of this alteration remains unclear.

Labcorp Genetics (formerly Invitae), Labcorp
Classification: Uncertain significance for Autosomal recessive limb-girdle muscular dystrophy type 2Q; Epidermolysis bullosa simplex, Ogna type; Epidermolysis bullosa simplex with nail dystrophy; Epidermolysis bullosa simplex 5C, with pyloric atresia; Epidermolysis bullosa simplex 5B, with muscular dystrophy. Last evaluated: 2025-12-23. Review status: criteria provided, single submitter. Criteria: Invitae Variant Classification Sherloc (09022015). Collection method: clinical testing. Allele origin: germline.
Comment: This sequence change replaces glutamic acid, which is acidic and polar, with alanine, which is neutral and non-polar, at codon 2396 of the PLEC protein (p.Glu2396Ala). This variant is present in population databases (rs565837184, gnomAD 0.01%). This variant has not been reported in the literature in individuals affected with PLEC-related conditions. ClinVar contains an entry for this variant (Variation ID: 655574). Invitae Evidence Modeling of protein sequence and biophysical properties (such as structural, functional, and spatial information, amino acid conservation, physicochemical variation, residue mobility, and thermodynamic stability) has been performed for this missense variant. However, the output from this modeling did not meet the statistical confidence thresholds required to predict the impact of this variant on PLEC protein function. In summary, the available evidence is currently insufficient to determine the role of this variant in disease. Therefore, it has been classified as a Variant of Uncertain Significance.

PreventionGenetics, part of Exact Sciences
Classification: Uncertain significance for PLEC-related condition. Last evaluated: 2025-11-30. Review status: criteria provided, single submitter. Criteria: ACMG Guidelines, 2015. Collection method: clinical testing. Allele origin: germline.
Comment: The PLEC c.7187A>C variant is predicted to result in the amino acid substitution p.Glu2396Ala. To our knowledge, this variant has not been reported in the literature. This variant is reported in 0.0096% of alleles in individuals of Latino descent in gnomAD. At this time, the clinical significance of this variant is uncertain due to the absence of conclusive functional and genetic evidence.

Revvity Omics, Revvity
Classification: Uncertain significance. Last evaluated: 2021-04-22. Review status: criteria provided, single submitter. Criteria: ACMG Guidelines, 2015. Collection method: clinical testing. Allele origin: germline.

NM_201384.3(PLEC):c.7106A>C (p.Glu2369Ala)

Gene: PLEC (plectin; minus strand). Cytogenetic location: 8q24.3.
Variant type: single nucleotide variant.
Coding change: c.7106A>C on transcript NM_201384.3 (MANE Select); coding-DNA position 7106, A replaced by C.
Protein change: p.Glu2369Ala; replaces glutamic acid 2369 with alanine.
Molecular consequence: missense variant.
Genome position (GRCh38, 1-based): chr8:143,922,823, T>G on the plus strand (A>C on the coding strand, the complement: PLEC is on the minus strand). VCF-style: chr8-143922823-T-G. GRCh37 (hg19) VCF-style: chr8-144996991-T-G.
Other names: c.7187A>C (NM_000445.3); c.7187A>C, p.Glu2396Ala (NM_000445.5); c.7064A>C, p.Glu2355Ala (NM_201378.4); c.7040A>C, p.Glu2347Ala (NM_201379.3); c.7517A>C, p.Glu2506Ala (NM_201380.4); c.7010A>C, p.Glu2337Ala (NM_201381.3); c.7106A>C, p.Glu2369Ala (NM_201382.4); c.7118A>C, p.Glu2373Ala (NM_201383.3); short protein forms E2337A, E2347A, E2396A, E2506A, E2355A, E2369A, E2373A.
Identifiers: ClinVar variation 655574 (VCV000655574.11), dbSNP rs565837184, ClinGen allele CA4925758.
Genomic context (GRCh38, chr8:143,922,823, plus strand): 5'-ACACGCAGCTTGAGGCGCTCAGCCTCAGCGCTCATCTCCAGCTGCCGCTGCCGCTCGGCC[T>G]CCAGCGTCCGCTGGAAGCCCTGCGTCTCCTCCGCCAGCTGCTGCGCCATCTGCTCCTTGT-3'
Protein context (NP_958786.1, residues 2359-2379): EETQGFQRTL[Glu2369Ala]AERQRQLEMS